The following is an entry in ClinVar:

NM_000400.4(ERCC2):c.44A>G (p.Asp15Gly)

Gene: ERCC2 (ERCC excision repair 2, TFIIH core complex helicase subunit; minus strand). Cytogenetic location: 19q13.32.
Variant type: single nucleotide variant.
Coding change: c.44A>G on transcript NM_000400.4 (MANE Select); coding-DNA position 44, A replaced by G.
Protein change: p.Asp15Gly; replaces aspartic acid 15 with glycine.
Molecular consequence: missense variant. On other transcripts: 5 prime UTR variant (1).
Genome position (GRCh38, 1-based): chr19:45,370,194, T>C on the plus strand (A>G on the coding strand, the complement: ERCC2 is on the minus strand). VCF-style: chr19-45370194-T-C. GRCh37 (hg19) VCF-style: chr19-45873452-T-C.
Other names: c.-29A>G (NM_001130867.2); short protein forms D15G.
Identifiers: ClinVar variation 3276269 (VCV003276269.1).

ClinVar aggregate classification (germline): Uncertain significance (1 of 4 stars; one submission).

Conditions:
Inborn genetic diseases. Identifiers: MedGen C0950123, MeSH D030342.

Submission:

Ambry Genetics
Classification: Uncertain significance for Inborn genetic diseases. Last evaluated: 2024-05-01. Review status: criteria provided, single submitter. Criteria: Ambry Variant Classification Scheme 2023. Collection method: clinical testing. Allele origin: germline.
Comment: The p.D15G variant (also known as c.44A>G), located in coding exon 2 of the ERCC2 gene, results from an A to G substitution at nucleotide position 44. The aspartic acid at codon 15 is replaced by glycine, an amino acid with similar properties. This amino acid position is conserved. In addition, the in silico prediction for this alteration is inconclusive. Based on the available evidence, the clinical significance of this variant remains unclear.